The following is an entry in ClinVar:

NM_006767.4(LZTR1):c.1267T>C (p.Cys423Arg)

Gene: LZTR1 (leucine zipper like post translational regulator 1; plus strand). Cytogenetic location: 22q11.21.
Variant type: single nucleotide variant.
Coding change: c.1267T>C on transcript NM_006767.4 (MANE Select); coding-DNA position 1267, T replaced by C.
Protein change: p.Cys423Arg; replaces cysteine 423 with arginine.
Molecular consequence: missense variant.
Genome position (GRCh38, 1-based): chr22:20,993,668, T>C. VCF-style: chr22-20993668-T-C. GRCh37 (hg19) VCF-style: chr22-21347957-T-C.
Other names: short protein forms C423R.
Identifiers: ClinVar variation 3665590 (VCV003665590.2).

ClinVar aggregate classification (germline): Uncertain significance (1 of 4 stars; one submission).

gnomAD v4.1: 1 of 1,613,334 alleles (0.000062%); highest among the groups gnomAD compares: Non-Finnish European, 0.000085%; no homozygotes.

Submission:

Labcorp Genetics (formerly Invitae), Labcorp
Classification: Uncertain significance. Last evaluated: 2024-10-02. Review status: criteria provided, single submitter. Criteria: Invitae Variant Classification Sherloc (09022015). Collection method: clinical testing. Allele origin: germline.
Comment: This sequence change replaces cysteine, which is neutral and slightly polar, with arginine, which is basic and polar, at codon 423 of the LZTR1 protein (p.Cys423Arg). This variant is not present in population databases (gnomAD no frequency). This variant has not been reported in the literature in individuals affected with LZTR1-related conditions. Invitae Evidence Modeling of protein sequence and biophysical properties (such as structural, functional, and spatial information, amino acid conservation, physicochemical variation, residue mobility, and thermodynamic stability) indicates that this missense variant is not expected to disrupt LZTR1 protein function with a negative predictive value of 80%. In summary, the available evidence is currently insufficient to determine the role of this variant in disease. Therefore, it has been classified as a Variant of Uncertain Significance.